The following is an entry in ClinVar:

ClinVar aggregate classification (germline): Uncertain significance (1 of 4 stars; one submission).

Allele frequency attached by ClinVar (database versions not stated): gnomAD exomes below 0.00001; ExAC 0.00001; gnomAD 0.00001; 1000 Genomes Project 0.00020; 1000 Genomes Project 30x 0.00031.
gnomAD v4.1: 8 of 1,614,146 alleles (0.0005%); highest among the groups gnomAD compares: African/African-American, 0.0027%; no homozygotes.

Submission:

Labcorp Genetics (formerly Invitae), Labcorp
Classification: Uncertain significance. Last evaluated: 2023-12-06. Review status: criteria provided, single submitter. Criteria: Invitae Variant Classification Sherloc (09022015). Collection method: clinical testing. Allele origin: germline.
Comment: This sequence change replaces glutamine, which is neutral and polar, with histidine, which is basic and polar, at codon 1098 of the ERBIN protein (p.Gln1098His). This variant is not present in population databases (gnomAD no frequency). This variant has not been reported in the literature in individuals affected with ERBIN-related conditions. ClinVar contains an entry for this variant (Variation ID: 1374500). Algorithms developed to predict the effect of missense changes on protein structure and function output the following: SIFT: "Not Available"; PolyPhen-2: "Benign"; Align-GVGD: "Not Available". The histidine amino acid residue is found in multiple mammalian species, which suggests that this missense change does not adversely affect protein function. In summary, the available evidence is currently insufficient to determine the role of this variant in disease. Therefore, it has been classified as a Variant of Uncertain Significance.

NM_001253697.2(ERBIN):c.3294G>C (p.Gln1098His)

Gene: ERBIN (erbb2 interacting protein; plus strand). Cytogenetic location: 5q12.3.
Variant type: single nucleotide variant.
Coding change: c.3294G>C on transcript NM_001253697.2 (MANE Select); coding-DNA position 3294, G replaced by C.
Protein change: p.Gln1098His; replaces glutamine 1098 with histidine.
Molecular consequence: missense variant.
Genome position (GRCh38, 1-based): chr5:66,054,612, G>C. VCF-style: chr5-66054612-G-C. GRCh37 (hg19) VCF-style: chr5-65350440-G-C.
Other names: c.3294G>C, p.Gln1098His (NM_001006600.3, NM_001253698.2, NM_001253699.2 and 1 more transcripts); c.3282G>C, p.Gln1094His (NM_001253701.2); short protein forms Q1094H, Q1098H.
Identifiers: ClinVar variation 1374500 (VCV001374500.8), dbSNP rs541984323, ClinGen allele CA3286632.